The following is an entry in ClinVar:

NM_018010.4(IFT57):c.118A>G (p.Met40Val)

Gene: IFT57 (intraflagellar transport 57; minus strand). Cytogenetic location: 3q13.13.
Variant type: single nucleotide variant.
Coding change: c.118A>G on transcript NM_018010.4 (MANE Select); coding-DNA position 118, A replaced by G.
Protein change: p.Met40Val; replaces methionine 40 with valine.
Molecular consequence: missense variant.
Genome position (GRCh38, 1-based): chr3:108,222,205, T>C on the plus strand (A>G on the coding strand, the complement: IFT57 is on the minus strand). VCF-style: chr3-108222205-T-C. GRCh37 (hg19) VCF-style: chr3-107941052-T-C.
Other names: c.118A>G (NM_018010.3); short protein forms M40V.
Identifiers: ClinVar variation 2712446 (VCV002712446.4), dbSNP rs562930646, ClinGen allele CA2526836.

ClinVar aggregate classification (germline): Uncertain significance. Review status: criteria provided, multiple submitters, no conflicts (2 of 4 stars). 2 submissions from 2 submitters: Uncertain significance (2). Last evaluated 2025-04-22.

Allele frequency attached by ClinVar (database versions not stated): gnomAD exomes 0.00001; ExAC 0.00003; gnomAD 0.00003; TOPMed 0.00003; 1000 Genomes Project 30x 0.00016; 1000 Genomes Project 0.00020.
gnomAD v4.1: 25 of 1,614,038 alleles (0.0015%); highest among the groups gnomAD compares: East Asian, 0.0022%; no homozygotes.

Submissions (2):

Labcorp Genetics (formerly Invitae), Labcorp
Classification: Uncertain significance. Last evaluated: 2025-04-22. Review status: criteria provided, single submitter. Criteria: Invitae Variant Classification Sherloc (09022015). Collection method: clinical testing. Allele origin: germline.
Comment: This sequence change replaces methionine, which is neutral and non-polar, with valine, which is neutral and non-polar, at codon 40 of the IFT57 protein (p.Met40Val). This variant is present in population databases (rs562930646, gnomAD 0.07%), and has an allele count higher than expected for a pathogenic variant. This variant has not been reported in the literature in individuals affected with IFT57-related conditions. ClinVar contains an entry for this variant (Variation ID: 2712446). An algorithm developed to predict the effect of missense changes on protein structure and function (PolyPhen-2) suggests that this variant is likely to be tolerated. In summary, the available evidence is currently insufficient to determine the role of this variant in disease. Therefore, it has been classified as a Variant of Uncertain Significance.

Ambry Genetics
Classification: Uncertain significance. Last evaluated: 2024-11-07. Review status: criteria provided, single submitter. Criteria: Ambry Variant Classification Scheme 2023. Collection method: clinical testing. Allele origin: germline.